The following is an entry in ClinVar:

ClinVar aggregate classification (germline): Uncertain significance (1 of 4 stars; one submission).

gnomAD v4.1: 1 of 1,611,646 alleles (0.000062%); highest among the groups gnomAD compares: Admixed American, 0.0017%; no homozygotes.

Submission:

Labcorp Genetics (formerly Invitae), Labcorp
Classification: Uncertain significance. Last evaluated: 2025-12-20. Review status: criteria provided, single submitter. Criteria: Invitae Variant Classification Sherloc (09022015). Collection method: clinical testing. Allele origin: germline.
Comment: This sequence change replaces leucine, which is neutral and non-polar, with valine, which is neutral and non-polar, at codon 809 of the ATR protein (p.Leu809Val). This variant is not present in population databases (gnomAD no frequency). This variant has not been reported in the literature in individuals affected with ATR-related conditions. An algorithm developed to predict the effect of missense changes on protein structure and function (PolyPhen-2) suggests that this variant is likely to be tolerated. In summary, the available evidence is currently insufficient to determine the role of this variant in disease. Therefore, it has been classified as a Variant of Uncertain Significance.

NM_001184.4(ATR):c.2425T>G (p.Leu809Val)

Gene: ATR (ATR checkpoint kinase; minus strand). Cytogenetic location: 3q23.
Variant type: single nucleotide variant.
Coding change: c.2425T>G on transcript NM_001184.4 (MANE Select); coding-DNA position 2425, T replaced by G.
Protein change: p.Leu809Val; replaces leucine 809 with valine.
Molecular consequence: missense variant.
Genome position (GRCh38, 1-based): chr3:142,553,932, A>C on the plus strand (T>G on the coding strand, the complement: ATR is on the minus strand). VCF-style: chr3-142553932-A-C. GRCh37 (hg19) VCF-style: chr3-142272774-A-C.
Other names: c.2233T>G, p.Leu745Val (NM_001354579.2); short protein forms L745V, L809V.
Identifiers: ClinVar variation 4750398 (VCV004750398.1).
Genomic context (GRCh38, chr3:142,553,932, plus strand): 5'-TGATATTTCCACTAAAAGCCACTCTAACATCTTTGTCTGGATCTTCCATTAAATTTAATA[A>C]AGTTCCAAGAACTGCTTTTACATCTGTTTCATCTTCTCTAAAATCAAGATGCTTACAAAG-3'
Protein context (NP_001175.2, residues 799-819): ETDVKAVLGT[Leu809Val]LNLMEDPDKD